The following is an entry in ClinVar:

NM_014141.6(CNTNAP2):c.136G>A (p.Val46Met)

Gene: CNTNAP2 (contactin associated protein 2; plus strand). Cytogenetic location: 7q35.
Variant type: single nucleotide variant.
Coding change: c.136G>A on transcript NM_014141.6 (MANE Select); coding-DNA position 136, G replaced by A.
Protein change: p.Val46Met; replaces valine 46 with methionine.
Molecular consequence: missense variant.
Genome position (GRCh38, 1-based): chr7:146,774,309, G>A. VCF-style: chr7-146774309-G-A. GRCh37 (hg19) VCF-style: chr7-146471401-G-A.
Other names: p.V46M:GTG>ATG; short protein forms V46M.
Identifiers: ClinVar variation 195292 (VCV000195292.29), dbSNP rs137924687, ClinGen allele CA241654.

ClinVar aggregate classification (germline): Uncertain significance. Review status: criteria provided, multiple submitters, no conflicts (2 of 4 stars). 8 submissions from 8 submitters: Uncertain significance (7). 1 of the submissions does not count toward it. Last evaluated 2025-10-07.

Conditions:
CNTNAP2-related disorder. Also called: CNTNAP2-related condition.
Inborn genetic diseases. Identifiers: MedGen C0950123, MeSH D030342.
Cortical dysplasia-focal epilepsy syndrome (PTHSL1). Also called: Pitt-Hopkins-like syndrome 1. Identifiers: Orphanet 163681, Orphanet 221150, MedGen C2750246, MONDO:0012400, OMIM 610042.
Autism, susceptibility to, 15. Also called: Autism susceptibility 15. Identifiers: MedGen C2677504, MONDO:0012801, OMIM 612100.

Allele frequency attached by ClinVar (database versions not stated): gnomAD exomes 0.00004 and 0.00009; ExAC 0.00011; gnomAD 0.00055 and 0.00059; TOPMed 0.00062; ESP Exome Variant Server 0.00069.
gnomAD v4.1: 151 of 1,613,766 alleles (0.0094%); highest among the groups gnomAD compares: African/African-American, 0.17%; no homozygotes.

Submissions (8):

GeneDx
Classification: Uncertain significance. Last evaluated: 2025-10-07. Review status: criteria provided, single submitter. Criteria: GeneDx Variant Classification Process June 2021. Collection method: clinical testing. Allele origin: germline. Affected: yes.
Comment: In silico analysis suggests that this missense variant does not alter protein structure/function; Has not been previously reported as pathogenic or benign in association with neurodevelopmental disorders to our knowledge; This variant is associated with the following publications: (PMID: 29463802, 26934580, 28569743)

Blueprint Genetics
Classification: Uncertain significance. Last evaluated: 2023-06-01. Review status: criteria provided, single submitter. Criteria: ACMG Guidelines, 2015. Collection method: clinical testing. Allele origin: germline.

Labcorp Genetics (formerly Invitae), Labcorp
Classification: Uncertain significance for Cortical dysplasia-focal epilepsy syndrome. Last evaluated: 2022-10-25. Review status: criteria provided, single submitter. Criteria: Invitae Variant Classification Sherloc (09022015). Collection method: clinical testing. Allele origin: germline.
Comment: This sequence change replaces valine, which is neutral and non-polar, with methionine, which is neutral and non-polar, at codon 46 of the CNTNAP2 protein (p.Val46Met). This variant is present in population databases (rs137924687, gnomAD 0.2%). This variant has not been reported in the literature in individuals affected with CNTNAP2-related conditions. ClinVar contains an entry for this variant (Variation ID: 195292). Algorithms developed to predict the effect of missense changes on protein structure and function output the following: SIFT: "Tolerated"; PolyPhen-2: "Benign"; Align-GVGD: "Class C0". The methionine amino acid residue is found in multiple mammalian species, which suggests that this missense change does not adversely affect protein function. In summary, the available evidence is currently insufficient to determine the role of this variant in disease. Therefore, it has been classified as a Variant of Uncertain Significance.

Fulgent Genetics
Classification: Uncertain significance for Cortical dysplasia-focal epilepsy syndrome; Autism, susceptibility to, 15. Last evaluated: 2021-08-10. Review status: criteria provided, single submitter. Criteria: ACMG Guidelines, 2015. Collection method: clinical testing. Allele origin: unknown.

Ambry Genetics
Classification: Uncertain significance for Inborn genetic diseases. Last evaluated: 2021-01-08. Review status: criteria provided, single submitter. Criteria: Ambry Variant Classification Scheme 2023. Collection method: clinical testing. Allele origin: germline.
Comment: The c.136G>A (p.V46M) alteration is located in exon 2 (coding exon 2) of the CNTNAP2 gene. This alteration results from a G to A substitution at nucleotide position 136, causing the valine (V) at amino acid position 46 to be replaced by a methionine (M). The p.V46M alteration is predicted to be tolerated by in silico analysis. Based on insufficient or conflicting evidence, the clinical significance of this alteration remains unclear.

Genetic Services Laboratory, University of Chicago
Classification: Uncertain significance. Last evaluated: 2018-12-03. Review status: criteria provided, single submitter. Criteria: ACMG Guidelines, 2015. Collection method: clinical testing. Allele origin: germline. Affected: no.

Eurofins Ntd Llc (ga)
Classification: Uncertain significance. Last evaluated: 2015-03-03. Review status: criteria provided, single submitter. Criteria: EGL Classification Definitions 2015. Collection method: clinical testing. Allele origin: germline. Observed: 1 variant allele, 1 heterozygote.

PreventionGenetics, part of Exact Sciences
Classification: Uncertain significance for CNTNAP2-related condition. Last evaluated: 2024-04-25. Review status: no assertion criteria provided. Collection method: clinical testing. Allele origin: germline. Not counted in ClinVar's aggregate classification.
Comment: The CNTNAP2 c.136G>A variant is predicted to result in the amino acid substitution p.Val46Met. To our knowledge, this variant has not been reported in the literature. This variant is reported in 0.15% of alleles in individuals of African descent in gnomAD. At this time, the clinical significance of this variant is uncertain due to the absence of conclusive functional and genetic evidence.